The following is an entry in ClinVar:

NM_017780.4(CHD7):c.1242G>T (p.Arg414Ser)

Gene: CHD7 (chromodomain helicase DNA binding protein 7; plus strand). Cytogenetic location: 8q12.2.
Variant type: single nucleotide variant.
Coding change: c.1242G>T on transcript NM_017780.4 (MANE Select); coding-DNA position 1242, G replaced by T.
Protein change: p.Arg414Ser; replaces arginine 414 with serine.
Molecular consequence: missense variant.
Genome position (GRCh38, 1-based): chr8:60,742,674, G>T. VCF-style: chr8-60742674-G-T. GRCh37 (hg19) VCF-style: chr8-61655233-G-T.
Other names: c.1242G>T, p.Arg414Ser (NM_001316690.1); short protein forms R414S.
Identifiers: ClinVar variation 3703277 (VCV003703277.2).

ClinVar aggregate classification (germline): Uncertain significance (1 of 4 stars; one submission).

Conditions:
CHARGE syndrome (CHARGE). Also called: Hittner Hirsch Kreh syndrome; CHARGE ASSOCIATION--COLOBOMA, HEART ANOMALY, CHOANAL ATRESIA, RETARDATION, GENITAL AND EAR ANOMALIES; Coloboma, heart anomaly, choanal atresia, retardation, genital and ear anomalies; CHARGE association; Hall-Hittner syndrome. Identifiers: Orphanet 138, MedGen C0265354, MONDO:0008965.

gnomAD v4.1: 5 of 1,610,878 alleles (0.00031%); highest among the groups gnomAD compares: East Asian, 0.0089%; no homozygotes.

Submission:

Labcorp Genetics (formerly Invitae), Labcorp
Classification: Uncertain significance for CHARGE syndrome. Last evaluated: 2024-06-26. Review status: criteria provided, single submitter. Criteria: Invitae Variant Classification Sherloc (09022015). Collection method: clinical testing. Allele origin: germline.
Comment: This sequence change replaces arginine, which is basic and polar, with serine, which is neutral and polar, at codon 414 of the CHD7 protein (p.Arg414Ser). This variant is not present in population databases (gnomAD no frequency). This variant has not been reported in the literature in individuals affected with CHD7-related conditions. Advanced modeling of protein sequence and biophysical properties (such as structural, functional, and spatial information, amino acid conservation, physicochemical variation, residue mobility, and thermodynamic stability) performed at Invitae indicates that this missense variant is not expected to disrupt CHD7 protein function with a negative predictive value of 95%. In summary, the available evidence is currently insufficient to determine the role of this variant in disease. Therefore, it has been classified as a Variant of Uncertain Significance.